The following is an entry in ClinVar:

NM_002691.4(POLD1):c.269dup (p.Thr91fs)

Gene: POLD1 (DNA polymerase delta 1, catalytic subunit; plus strand). Cytogenetic location: 19q13.33.
Variant type: Duplication.
Coding change: c.269dup on transcript NM_002691.4 (MANE Select); coding-DNA position 269, one base duplicated (A; older notation c.269dupA).
Protein change: p.Thr91fs; shifts the reading frame from threonine 91.
Molecular consequence: frameshift variant. On other transcripts: non-coding transcript variant (1).
Genome position (GRCh38, 1-based): chr19:50,399,437, A duplicated. VCF-style (leftmost placement, unchanged base first): chr19-50399436-C-CA. GRCh37 (hg19) VCF-style: chr19-50902693-C-CA.
Other names: c.269dup, p.Thr91fs (NM_001256849.1, NM_001308632.1); short protein forms T91fs.
Identifiers: ClinVar variation 1024368 (VCV001024368.8), dbSNP rs2038501112, ClinGen allele CA2340880920.
Genomic context (GRCh38, chr19:50,399,436, plus strand): 5'-GTCCCACCATCAGCCATAGATCCTCGCTGGCTTCGGCCCACACCACCAGCGCTGGACCCC[C>CA]AGACAGAGCCCCTCATCTTCCAACAGTTGGAGATTGACCATTATGTGGGTGAGTTTAGGG-3'

ClinVar aggregate classification (germline): Uncertain significance (1 of 4 stars; one submission).

Conditions:
POLD1-related polyposis and colorectal cancer syndrome (CRCS10). Also called: Colorectal cancer 10; COLORECTAL CANCER, SUSCEPTIBILITY TO, ON CHROMOSOME 19q; Colorectal cancer, susceptibility to, 10. Identifiers: Orphanet 220460, MedGen C2675481, MONDO:0012953, OMIM 612591.

Submission:

Labcorp Genetics (formerly Invitae), Labcorp
Classification: Uncertain significance for POLD1-related polyposis and colorectal cancer syndrome. Last evaluated: 2020-08-23. Review status: criteria provided, single submitter. Criteria: Invitae Variant Classification Sherloc (09022015). Collection method: clinical testing. Allele origin: germline.
Comment: This sequence change creates a premature translational stop signal (p.Thr91Aspfs*12) in the POLD1 gene. It is expected to result in an absent or disrupted protein product. This variant is not present in population databases (ExAC no frequency). This variant has not been reported in the literature in individuals with POLD1-related conditions. The current clinical and genetic evidence is not sufficient to establish whether loss-of-function variants in POLD1 cause disease. Missense variants that disrupt the 3'-5' exonuclease (proof-reading) activity of the POLD1 protein, are associated with an increased risk for colonic adenomatous polyps and colon cancer (PMID: 23263490, 23447401). However loss-of-function variants, which result in an absent or severely disrupted POLD1 protein, and missense variants outside the exonuclease domain, are unlikely to be associated with polyposis or colon cancer. Without further clinical and genetic evidence, this variant has been classified as a Variant of Uncertain Significance.

Literature cited by the submitters: PubMed 23263490; PubMed 23447401.